The following is an entry in ClinVar:

NM_199420.4(POLQ):c.7333G>A (p.Gly2445Arg)

Gene: POLQ (DNA polymerase theta; minus strand). Cytogenetic location: 3q13.33.
Variant type: single nucleotide variant.
Coding change: c.7333G>A on transcript NM_199420.4 (MANE Select); coding-DNA position 7333, G replaced by A.
Protein change: p.Gly2445Arg; replaces glycine 2445 with arginine.
Molecular consequence: missense variant.
Genome position (GRCh38, 1-based): chr3:121,440,048, C>T on the plus strand (G>A on the coding strand, the complement: POLQ is on the minus strand). VCF-style: chr3-121440048-C-T. GRCh37 (hg19) VCF-style: chr3-121158895-C-T.
Other names: short protein forms G2445R.
Identifiers: ClinVar variation 3308516 (VCV003308516.1).

ClinVar aggregate classification (germline): Uncertain significance (1 of 4 stars; one submission).

Submission:

Ambry Genetics
Classification: Uncertain significance. Last evaluated: 2024-04-19. Review status: criteria provided, single submitter. Criteria: Ambry Variant Classification Scheme 2023. Collection method: clinical testing. Allele origin: germline.
Comment: The p.G2445R variant (also known as c.7333G>A), located in coding exon 27 of the POLQ gene, results from a G to A substitution at nucleotide position 7333. The glycine at codon 2445 is replaced by arginine, an amino acid with dissimilar properties. This amino acid position is conserved. In addition, this alteration is predicted to be deleterious by in silico analysis. Based on the available evidence, the clinical significance of this variant remains unclear.